The following is an entry in ClinVar:

NM_014908.4(DOLK):c.86C>T (p.Ala29Val)

Gene: DOLK (dolichol kinase; minus strand). Cytogenetic location: 9q34.11.
Variant type: single nucleotide variant.
Coding change: c.86C>T on transcript NM_014908.4 (MANE Select); coding-DNA position 86, C replaced by T.
Protein change: p.Ala29Val; replaces alanine 29 with valine.
Molecular consequence: missense variant.
Genome position (GRCh38, 1-based): chr9:128,947,218, G>A on the plus strand (C>T on the coding strand, the complement: DOLK is on the minus strand). VCF-style: chr9-128947218-G-A. GRCh37 (hg19) VCF-style: chr9-131709497-G-A.
Other names: short protein forms A29V.
Identifiers: ClinVar variation 965948 (VCV000965948.7), dbSNP rs1401208309, ClinGen allele CA375128578.

ClinVar aggregate classification (germline): Uncertain significance (1 of 4 stars; one submission).

Conditions:
DK1-congenital disorder of glycosylation. Also called: DK1-CDG; CONGENITAL DISORDER OF GLYCOSYLATION, TYPE Im; CDG Im; DK1 DEFICIENCY; DOLICHOL KINASE DEFICIENCY; DOLK-congenital disorder of glycosylation. Identifiers: Orphanet 91131, MedGen C1835849, MONDO:0012556, OMIM 610768.

Allele frequency attached by ClinVar (database versions not stated): gnomAD exomes below 0.00001; gnomAD 0.00001.
gnomAD v4.1: 2 of 1,612,920 alleles (0.00012%); highest among the groups gnomAD compares: African/African-American, 0.0027%; no homozygotes.

Submission:

Labcorp Genetics (formerly Invitae), Labcorp
Classification: Uncertain significance for DK1-congenital disorder of glycosylation. Last evaluated: 2021-08-27. Review status: criteria provided, single submitter. Criteria: Invitae Variant Classification Sherloc (09022015). Collection method: clinical testing. Allele origin: germline.
Comment: This sequence change replaces alanine with valine at codon 29 of the DOLK protein (p.Ala29Val). The alanine residue is moderately conserved and there is a small physicochemical difference between alanine and valine. This variant is not present in population databases (ExAC no frequency). This variant has not been reported in the literature in individuals affected with DOLK-related conditions. Algorithms developed to predict the effect of missense changes on protein structure and function output the following: SIFT: "Tolerated"; PolyPhen-2: "Possibly Damaging"; Align-GVGD: "Class C0". The valine amino acid residue is found in multiple mammalian species, which suggests that this missense change does not adversely affect protein function. In summary, the available evidence is currently insufficient to determine the role of this variant in disease. Therefore, it has been classified as a Variant of Uncertain Significance.